The following is an entry in ClinVar:

ClinVar aggregate classification (germline): Conflicting classifications of pathogenicity. Review status: criteria provided, conflicting classifications (1 of 4 stars). 9 submissions from 9 submitters: Uncertain significance (3); Likely benign (6). Last evaluated 2025-12-31.

Conditions:
Dilated cardiomyopathy 1DD (CMD1DD). Identifiers: Orphanet 154, MedGen C2750995, MONDO:0013168, OMIM 613172.
Cardiovascular phenotype. Identifiers: MedGen CN230736.
Hypertrophic cardiomyopathy. Also called: HYPERTROPHIC MYOCARDIOPATHY. Identifiers: Orphanet 217569, MedGen C0007194, MeSH D002312, MONDO:0005045, HP:0001639.
Cardiomyopathy (CMYO). Also called: Cardiomyopathies. Identifiers: Orphanet 167848, MedGen C0878544, MONDO:0004994, HP:0001638. Inheritance: Various modes of inheritance.

Allele frequency attached by ClinVar (database versions not stated): ExAC 0.00009; TOPMed 0.00022; gnomAD 0.00027 and 0.00028.
gnomAD v4.1: 498 of 1,551,770 alleles (0.032%); highest among the groups gnomAD compares: Non-Finnish European, 0.04%; no homozygotes.

Submissions (9):

Labcorp Genetics (formerly Invitae), Labcorp
Classification: Likely benign for Dilated cardiomyopathy 1DD. Last evaluated: 2025-12-31. Review status: criteria provided, single submitter. Criteria: Invitae Variant Classification Sherloc (09022015). Collection method: clinical testing. Allele origin: germline.

Blueprint Genetics
Classification: Likely benign. Last evaluated: 2024-09-05. Review status: criteria provided, single submitter. Criteria: ACMG Guidelines, 2015. Collection method: clinical testing. Allele origin: germline.

Ambry Genetics
Classification: Likely benign for Cardiovascular phenotype. Last evaluated: 2023-09-29. Review status: criteria provided, single submitter. Criteria: Ambry Variant Classification Scheme 2023. Collection method: clinical testing. Allele origin: germline.

Victorian Clinical Genetics Services, Murdoch Childrens Research Institute
Classification: Likely benign for Dilated cardiomyopathy 1DD. Last evaluated: 2021-05-06. Review status: criteria provided, single submitter. Criteria: ACMG Guidelines, 2015. Collection method: clinical testing. Allele origin: germline. Inheritance: Autosomal dominant inheritance.
Comment: Based on the classification scheme VCGS_Germline_v1.3.4, this variant is classified as Likely benign. Following criteria are met: 0102 - Loss of function is a known mechanism of disease in this gene and is associated with dilated cardiomyopathy, 1DD (MIM#613172). While some publications suggest a dominant negative mechanism for variants in the hotspot affecting residues between 630 and 640 (PMID: 32187365, PMID: 29895960), this mechanism has now been proven to be unlikely (PMID: 32840935). (I) 0107 - This gene is associated with autosomal dominant disease. (I) 0112 - The condition associated with this gene has incomplete penetrance. Pathogenic variants in this gene have been described to be 66% penetrant, with age and sex also affecting penetrance (PMID: 30871348). (I) 0200 - Variant is predicted to result in a missense amino acid change from proline to serine. (I) 0251 - This variant is heterozygous. (I) 0308 - Population frequency for this variant is out of keeping with known incidence of cardiomyopathy, dilated, 1DD (MIM#613172). (SB) 0309 - An alternative amino acid change at the same position has been observed in gnomAD (v2) (1 heterozygote, 0 homozygotes). (I) 0502 - Missense variant with conflicting in silico predictions and uninformative conservation. (I) 0604 - Variant is not located in an established domain, motif, hotspot or informative constraint region. (I) 0705 - No comparable missense variants have previous evidence for pathogenicity. (I) 0808 - Previous reports of pathogenicity for this variant are conflicting. This variant has been reported multiple times, as both a VUS and likely benign. While this variant has been reported in at least five individuals with dilated cardiomyopathy, hypertrophic cardiomyopathy or sudden unexplained death, authors do not classify this variant as disease causing or pathogenic (LOVD, ClinVar, VCGS, PMID: 27650965, PMID: 30847666, PMID: 32840935, PMID: 29650543). In one family, affected individuals were also carriers of a pathogenic variant in the TTN gene (PMID: 30871348). (I) 0905 - No published segregation evidence has been identified for this variant. (I) 1004 - This variant has moderate functional evidence supporting normal protein function. Analysis of this variant in transfected cells by qRT-PCR, found it had no significant effect on the splicing of target genes and affected protein did not mislocalise. While the splicing of target gene TTN was not within control range, authors speculated this was not due to this variant and consequently classified this variant as likely benign (PMID: 32840935). (SB) 1208 - Inheritance information for this variant is not currently available in this individual. (I) Legend: (SP) - Supporting pathogenic, (I) - Information, (SB) - Supporting benign

GeneDx
Classification: Likely benign. Last evaluated: 2020-12-02. Review status: criteria provided, single submitter. Criteria: GeneDx Variant Classification Process June 2021. Collection method: clinical testing. Allele origin: germline. Affected: yes.
Comment: Reported in association with sudden unexplained death and cardiomyopathy (Christiansen et al., 2016; van Lint et al., 2019); In silico analysis supports that this missense variant does not alter protein structure/function; This variant is associated with the following publications: (PMID: 29650543, 27650965, 30847666, 32840935)

Laboratory for Molecular Medicine, Mass General Brigham Personalized Medicine
Classification: Likely benign. Last evaluated: 2018-08-22. Review status: criteria provided, single submitter. Criteria: LMM Criteria. Collection method: clinical testing. Allele origin: germline. Observed: 2 variant alleles.
Comment: The p.Pro1039Ser variant in RBM20 is classified as likely benign because it has been identified in 0.04% (40/73076) of European chromosomes by the Genome Aggreg ation Database (gnomAD, dbSNP rs727503392). Com putational prediction tools and conservation analysis suggest that the p.Pro1039 Ser variant may not impact the protein. ACMG/AMP Criteria applied: BS1_supportin g, BP4.

Illumina Laboratory Services, Illumina
Classification: Uncertain significance for Dilated cardiomyopathy 1DD. Last evaluated: 2018-01-12. Review status: criteria provided, single submitter. Criteria: ICSL Variant Classification Criteria 13 December 2019. Collection method: clinical testing. Allele origin: germline.

Center for Advanced Laboratory Medicine, UC San Diego Health, University of California San Diego
Classification: Uncertain significance for Hypertrophic cardiomyopathy. Last evaluated: 2017-06-06. Review status: criteria provided, single submitter. Criteria: ACMG Guidelines, 2015. Collection method: clinical testing. Allele origin: germline. Affected: yes. Observed: 1 variant allele.

CHEO Genetics Diagnostic Laboratory, Children's Hospital of Eastern Ontario
Classification: Uncertain significance for Cardiomyopathy. Last evaluated: 2017-04-13. Review status: criteria provided, single submitter. Criteria: ACMG Guidelines, 2015. Collection method: clinical testing. Allele origin: germline. Study: Canadian Open Genetics Repository.

Literature cited by the submitters: PubMed 27650965 (cited by Ambry Genetics and Victorian Clinical Genetics Services, Murdoch Childrens Research Institute); PubMed 30847666 (cited by Ambry Genetics and Victorian Clinical Genetics Services, Murdoch Childrens Research Institute); PubMed 30871348 (cited by Ambry Genetics and Victorian Clinical Genetics Services, Murdoch Childrens Research Institute); PubMed 32840935 (cited by Ambry Genetics and Victorian Clinical Genetics Services, Murdoch Childrens Research Institute); PubMed 29650543 (cited by Victorian Clinical Genetics Services, Murdoch Childrens Research Institute); PubMed 29895960 (cited by Victorian Clinical Genetics Services, Murdoch Childrens Research Institute); PubMed 32187365 (cited by Victorian Clinical Genetics Services, Murdoch Childrens Research Institute).

NM_001134363.3(RBM20):c.3115C>T (p.Pro1039Ser)

Gene: RBM20 (RNA binding motif protein 20; plus strand). Cytogenetic location: 10q25.2.
Variant type: single nucleotide variant.
Coding change: c.3115C>T on transcript NM_001134363.3 (MANE Select); coding-DNA position 3115, C replaced by T.
Protein change: p.Pro1039Ser; replaces proline 1039 with serine.
Molecular consequence: missense variant.
Genome position (GRCh38, 1-based): chr10:110,821,734, C>T. VCF-style: chr10-110821734-C-T. GRCh37 (hg19) VCF-style: chr10-112581492-C-T.
Other names: p.P1039S:CCA>TCA; short protein forms P1039S.
Identifiers: ClinVar variation 165048 (VCV000165048.38), dbSNP rs727503392, ClinGen allele CA177712.
Genomic context (GRCh38, chr10:110,821,734, plus strand): 5'-CTGGAGGATTCAGATTGCTACGAGAAGGAGGCAAAGGGAGTGGAGAGCTCAGATGTTCAT[C>T]CAGCCCCTACAGTCCAGCAAATGTCTTCCCCTAAGCCAGCAGAGGAGAGGGCCCGGCAGC-3'
Protein context (NP_001127835.2, residues 1029-1049): AKGVESSDVH[Pro1039Ser]APTVQQMSSP